The following is an entry in ClinVar:

ClinVar aggregate classification (germline): Uncertain significance (1 of 4 stars; one submission).

Allele frequency attached by ClinVar (database versions not stated): gnomAD exomes below 0.00001; TOPMed below 0.00001; gnomAD 0.00001.
gnomAD v4.1: 4 of 1,613,828 alleles (0.00025%); highest among the groups gnomAD compares: Non-Finnish European, 0.00034%; no homozygotes.

Submission:

Labcorp Genetics (formerly Invitae), Labcorp
Classification: Uncertain significance. Last evaluated: 2024-05-16. Review status: criteria provided, single submitter. Criteria: Invitae Variant Classification Sherloc (09022015). Collection method: clinical testing. Allele origin: germline.
Comment: This sequence change replaces glycine, which is neutral and non-polar, with arginine, which is basic and polar, at codon 87 of the FOCAD protein (p.Gly87Arg). This variant is not present in population databases (gnomAD no frequency). This variant has not been reported in the literature in individuals affected with FOCAD-related conditions. Experimental studies and prediction algorithms are not available or were not evaluated, and the functional significance of this variant is currently unknown. In summary, the available evidence is currently insufficient to determine the role of this variant in disease. Therefore, it has been classified as a Variant of Uncertain Significance.

NM_001375567.1(FOCAD):c.259G>A (p.Gly87Arg)

Gene: FOCAD (focadhesin; plus strand). Cytogenetic location: 9p21.3.
Variant type: single nucleotide variant.
Coding change: c.259G>A on transcript NM_001375567.1 (MANE Select); coding-DNA position 259, G replaced by A.
Protein change: p.Gly87Arg; replaces glycine 87 with arginine.
Molecular consequence: missense variant.
Genome position (GRCh38, 1-based): chr9:20,720,506, G>A. VCF-style: chr9-20720506-G-A. GRCh37 (hg19) VCF-style: chr9-20720505-G-A.
Other names: c.259G>A, p.Gly87Arg (NM_001375568.1, NM_001375570.1, NM_017794.5); short protein forms G87R.
Identifiers: ClinVar variation 2696549 (VCV002696549.3), dbSNP rs1269880344, ClinGen allele CA373044796.